The following is an entry in ClinVar:

ClinVar aggregate classification (germline): Uncertain significance (1 of 4 stars; one submission).

Conditions:
Hereditary cancer-predisposing syndrome. Also called: Tumor predisposition; Hereditary neoplastic syndrome; Hereditary Cancer Syndrome; Neoplastic Syndromes, Hereditary. Identifiers: Orphanet 140162, MedGen C0027672, MeSH D009386, MONDO:0015356.

Submission:

Ambry Genetics
Classification: Uncertain significance for Hereditary cancer-predisposing syndrome. Last evaluated: 2025-04-23. Review status: criteria provided, single submitter. Criteria: Ambry Variant Classification Scheme 2023. Collection method: clinical testing. Allele origin: germline.
Comment: The p.Y1398F variant (also known as c.4193A>T), located in coding exon 33 of the POLE gene, results from an A to T substitution at nucleotide position 4193. The tyrosine at codon 1398 is replaced by phenylalanine, an amino acid with highly similar properties. This amino acid position is conserved. In addition, this alteration is predicted to be tolerated by in silico analysis. Based on the available evidence, the clinical significance of this variant remains unclear.

NM_006231.4(POLE):c.4193A>T (p.Tyr1398Phe)

Gene: POLE (DNA polymerase epsilon, catalytic subunit; minus strand). Cytogenetic location: 12q24.33.
Variant type: single nucleotide variant.
Coding change: c.4193A>T on transcript NM_006231.4 (MANE Select); coding-DNA position 4193, A replaced by T.
Protein change: p.Tyr1398Phe; replaces tyrosine 1398 with phenylalanine.
Molecular consequence: missense variant.
Genome position (GRCh38, 1-based): chr12:132,643,934, T>A on the plus strand (A>T on the coding strand, the complement: POLE is on the minus strand). VCF-style: chr12-132643934-T-A. GRCh37 (hg19) VCF-style: chr12-133220520-T-A.
Other names: short protein forms Y1398F.
Identifiers: ClinVar variation 3935746 (VCV003935746.1).